The following is an entry in ClinVar:

ClinVar aggregate classification (germline): Uncertain significance (1 of 4 stars; one submission).

Submission:

Labcorp Genetics (formerly Invitae), Labcorp
Classification: Uncertain significance. Last evaluated: 2024-04-23. Review status: criteria provided, single submitter. Criteria: Invitae Variant Classification Sherloc (09022015). Collection method: clinical testing. Allele origin: germline.
Comment: This sequence change replaces glutamine, which is neutral and polar, with lysine, which is basic and polar, at codon 241 of the MSH3 protein (p.Gln241Lys). This variant is not present in population databases (gnomAD no frequency). This variant has not been reported in the literature in individuals affected with MSH3-related conditions. ClinVar contains an entry for this variant (Variation ID: 654880). An algorithm developed to predict the effect of missense changes on protein structure and function (PolyPhen-2) suggests that this variant is likely to be tolerated. In summary, the available evidence is currently insufficient to determine the role of this variant in disease. Therefore, it has been classified as a Variant of Uncertain Significance.

NM_002439.5(MSH3):c.721C>A (p.Gln241Lys)

Gene: MSH3 (mutS homolog 3; plus strand). Cytogenetic location: 5q14.1.
Variant type: single nucleotide variant.
Coding change: c.721C>A on transcript NM_002439.5 (MANE Select); coding-DNA position 721, C replaced by A.
Protein change: p.Gln241Lys; replaces glutamine 241 with lysine.
Molecular consequence: missense variant.
Genome position (GRCh38, 1-based): chr5:80,670,238, C>A. VCF-style: chr5-80670238-C-A. GRCh37 (hg19) VCF-style: chr5-79966057-C-A.
Other names: short protein forms Q241K.
Identifiers: ClinVar variation 654880 (VCV000654880.8), dbSNP rs1481996174, ClinGen allele CA360266870.